The following is an entry in ClinVar:

NM_000138.5(FBN1):c.762del (p.Leu256fs)

Gene: FBN1 (fibrillin 1; minus strand). Cytogenetic location: 15q21.1.
Variant type: Deletion.
Coding change: c.762del on transcript NM_000138.5 (MANE Select); coding-DNA position 762, one base deleted (C; older notation c.762delC).
Protein change: p.Leu256fs; shifts the reading frame from leucine 256.
Molecular consequence: frameshift variant.
Genome position (GRCh38, 1-based): chr15:48,534,180, G deleted on the plus strand (C on the coding strand, the reverse complement: FBN1 is on the minus strand); the first of 4 consecutive G bases (chr15:48,534,180-48,534,183); deleting any one gives the same sequence. VCF-style (leftmost placement, unchanged base first): chr15-48534179-CG-C. GRCh37 (hg19) VCF-style: chr15-48826376-CG-C.
Other names: c.762delC (NM_000138.4); short protein forms L256fs.
Identifiers: ClinVar variation 418977 (VCV000418977.10), dbSNP rs1064793559, ClinGen allele CA16619977.
Genomic context (GRCh38, chr15:48,534,179, plus strand): 5'-CAGGGCATTTGCACTCAAAAGACCCAACAGTATTAATGCAATTTCCTCCCTGACAGAGCC[CG>C]GGGATGGCCTGGCATTCATCCACATCTGTCAGATTACAGAAGACAGAGAGAAAAAAAAAA-3'

ClinVar aggregate classification (germline): Pathogenic. Review status: criteria provided, multiple submitters, no conflicts (2 of 4 stars). 4 submissions from 4 submitters: Pathogenic (3). 1 of the submissions does not count toward it. Last evaluated 2025-07-02.

Conditions:
Marfan syndrome (MFS). Also called: MARFAN SYNDROME, TYPE I; FBN1-Related Marfan Syndrome; Marfan syndrome type 1; Marfan's syndrome; Marfan syndrome, classic. Identifiers: Orphanet 284963, Orphanet 558, MedGen C0024796, MONDO:0007947, OMIM 154700.
Familial thoracic aortic aneurysm and aortic dissection (TAAD). Also called: Thoracic aortic aneurysms and dissections. Identifiers: Orphanet 91387, MedGen C4707243, MONDO:0019625.

Submissions (4):

Color Diagnostics, LLC DBA Color Health
Classification: Pathogenic for Familial thoracic aortic aneurysm and aortic dissection. Last evaluated: 2025-07-02. Review status: criteria provided, single submitter. Criteria: ACMG Guidelines, 2015. Collection method: clinical testing. Allele origin: germline.
Comment: This variant deletes 1 nucleotide in exon 8 of the FBN1 gene, creating a frameshift and premature translation stop signal. This variant is expected to result in an absent or non-functional protein product. This variant has been reported in individuals affected with Marfan syndrome (PMID: 33059708). This variant has not been identified in the general population by the Genome Aggregation Database (gnomAD). Loss of FBN1 function is a known mechanism of disease. Based on the available evidence, this variant is classified as Pathogenic.

Labcorp Genetics (formerly Invitae), Labcorp
Classification: Pathogenic for Marfan syndrome; Familial thoracic aortic aneurysm and aortic dissection. Last evaluated: 2024-06-17. Review status: criteria provided, single submitter. Criteria: Invitae Variant Classification Sherloc (09022015). Collection method: clinical testing. Allele origin: germline.
Comment: This sequence change creates a premature translational stop signal (p.Leu256Serfs*74) in the FBN1 gene. It is expected to result in an absent or disrupted protein product. Loss-of-function variants in FBN1 are known to be pathogenic (PMID: 17657824, 19293843). This variant is not present in population databases (gnomAD no frequency). This premature translational stop signal has been observed in individual(s) with Marfan syndrome (PMID: 33059708). ClinVar contains an entry for this variant (Variation ID: 418977). For these reasons, this variant has been classified as Pathogenic.

GeneDx
Classification: Pathogenic. Last evaluated: 2015-05-11. Review status: criteria provided, single submitter. Criteria: GeneDx Variant Classification (06012015). Collection method: clinical testing. Allele origin: germline. Affected: yes.
Comment: Although the c.762delC variant in the FBN1 gene has not been reported to our knowledge, this deletion causes a shift in reading frame starting at codon Leucine 256, changing it to a Serine, and creating apremature stop codon at position 74 of the new reading frame, denoted p.Leu256SerfsX74. This deletion is expected to result in either an abnormal, truncated protein product or loss of protein from this allelethrough nonsense-mediated mRNA decay. Other frameshift variants in the FBN1 gene have beenreported in HGMD in association with Marfan syndrome (Stenson P et al., 2014). In summary, c.762delC in the FBN1 gene is interpreted as a pathogenic variant.

Center for Medical Genetics Ghent, University of Ghent
Classification: Likely pathogenic for Marfan syndrome. Last evaluated: 2017-11-07. Review status: no assertion criteria provided. Collection method: clinical testing. Allele origin: germline. Affected: yes. Not counted in ClinVar's aggregate classification.

Literature cited by the submitters: PubMed 33059708 (cited by Color Diagnostics, LLC DBA Color Health and Labcorp Genetics (formerly Invitae), Labcorp); PubMed 17657824 (cited by Labcorp Genetics (formerly Invitae), Labcorp); PubMed 19293843 (cited by Labcorp Genetics (formerly Invitae), Labcorp).